The following is an entry in ClinVar:

NM_000429.3(MAT1A):c.1070C>T (p.Pro357Leu)

Gene: MAT1A (methionine adenosyltransferase 1A; minus strand). Cytogenetic location: 10q22.3.
Variant type: single nucleotide variant.
Coding change: c.1070C>T on transcript NM_000429.3 (MANE Select); coding-DNA position 1070, C replaced by T.
Protein change: p.Pro357Leu; replaces proline 357 with leucine.
Molecular consequence: missense variant.
Genome position (GRCh38, 1-based): chr10:80,274,535, G>A on the plus strand (C>T on the coding strand, the complement: MAT1A is on the minus strand). VCF-style: chr10-80274535-G-A. GRCh37 (hg19) VCF-style: chr10-82034291-G-A.
Other names: short protein forms P357L.
Identifiers: ClinVar variation 1204 (VCV000001204.20), dbSNP rs118204003, ClinGen allele CA114838.
Genomic context (GRCh38, chr10:80,274,535, plus strand): 5'-AGGAAGGAGCAAGGTCCTGTGTAATAGCAGCGCATGGCACTTTACCTGACAATGACGCCC[G>A]GCCGGAGGTCGAAGTTCTTATGCACCACATCCAGCAGCTCTCGCTCTGTCTTCTGAGAGG-3'
Protein context (NP_000420.1, residues 347-367): DVVHKNFDLR[Pro357Leu]GVIVRDLDLK

ClinVar aggregate classification (germline): Pathogenic/Likely pathogenic. Review status: criteria provided, multiple submitters, no conflicts (2 of 4 stars). 6 submissions from 6 submitters: Pathogenic (4); Likely pathogenic (1). 1 of the submissions does not count toward it. Last evaluated 2025-12-15.

Conditions:
Hepatic methionine adenosyltransferase deficiency. Also called: Isolated Persistent Hypermethioninemia; MAT I/III DEFICIENCY; Methionine adenosyltransferase deficiency; Deficiency of methionine adenosyltransferase. Identifiers: Orphanet 168598, MedGen C0268621, MeSH C564683, MONDO:0009607, OMIM 250850.

Allele frequency attached by ClinVar (database versions not stated): gnomAD 0.00002; gnomAD exomes 0.00003 and 0.00002; TOPMed 0.00004; ExAC 0.00003.

Submissions (6):

Labcorp Genetics (formerly Invitae), Labcorp
Classification: Pathogenic for Hepatic methionine adenosyltransferase deficiency. Last evaluated: 2025-12-15. Review status: criteria provided, single submitter. Criteria: Invitae Variant Classification Sherloc (09022015). Collection method: clinical testing. Allele origin: germline.
Comment: This sequence change replaces proline, which is neutral and non-polar, with leucine, which is neutral and non-polar, at codon 357 of the MAT1A protein (p.Pro357Leu). This variant is present in population databases (rs118204003, gnomAD 0.01%). This missense change has been observed in individuals with autosomal recessive hypermethioninemia (PMID: 7560086, 15935930). ClinVar contains an entry for this variant (Variation ID: 1204). Invitae Evidence Modeling of protein sequence and biophysical properties (such as structural, functional, and spatial information, amino acid conservation, physicochemical variation, residue mobility, and thermodynamic stability) indicates that this missense variant is not expected to disrupt MAT1A protein function with a negative predictive value of 80%. Experimental studies have shown that this missense change affects MAT1A function (PMID: 7560086). For these reasons, this variant has been classified as Pathogenic.

Genomic Medicine Center of Excellence, King Faisal Specialist Hospital and Research Centre
Classification: Pathogenic for Hepatic methionine adenosyltransferase deficiency. Last evaluated: 2024-03-29. Review status: criteria provided, single submitter. Criteria: ACMG Guidelines, 2015. Collection method: clinical testing. Allele origin: germline.

Revvity Omics, Revvity
Classification: Pathogenic for Hepatic methionine adenosyltransferase deficiency. Last evaluated: 2021-01-20. Review status: criteria provided, single submitter. Criteria: ACMG Guidelines, 2015. Collection method: clinical testing. Allele origin: germline.

GeneDx
Classification: Pathogenic. Last evaluated: 2017-01-27. Review status: criteria provided, single submitter. Criteria: GeneDx Variant Classification (06012015). Collection method: clinical testing. Allele origin: germline. Affected: yes.
Comment: The P357L missense variant in the MAT1A gene has been reported previously in association with methionine adenosyltransferase I/III (MAT I/III) deficiency in a patient who was found to be compound heterozygous for P357L and another variant in the MAT1A gene and who had very low MAT activity in a liver biopsy sample (Ubagai et al., 1995). Expression studies found that P357L is associated with low but detectable MAT enzyme activity (Ubagai et al., 1995). In summary, we interpret P357L in MAT1A to be a pathogenic variant.

Juno Genomics, Hangzhou Juno Genomics, Inc
Classification: Likely pathogenic for Hepatic methionine adenosyltransferase deficiency. Review status: criteria provided, single submitter. Criteria: ACMG Guidelines, 2015. Collection method: clinical testing. Allele origin: germline.
Comment: Absent from controls (or at extremely low frequency if recessive) in Genome Aggregation Database.;Well-established in vitro or in vivo functional studies supportive of a damaging effect on the gene or gene product.;The prevalence of the variant in affected individuals is significantly increased compared to the prevalence in controls.;For recessive disorders, detected in trans with a pathogenic variant.;Patient's phenotype or family history is highly specific for a disease with a single genetic etiology.

OMIM
Classification: Pathogenic for METHIONINE ADENOSYLTRANSFERASE I/III DEFICIENCY, AUTOSOMAL RECESSIVE. Last evaluated: 1995-10-01. Review status: no assertion criteria provided. Collection method: literature only. Allele origin: germline. Not counted in ClinVar's aggregate classification.

Literature cited by the submitters: PubMed 7560086 (cited by Labcorp Genetics (formerly Invitae), Labcorp and OMIM); PubMed 15935930 (cited by Labcorp Genetics (formerly Invitae), Labcorp).